The following is an entry in ClinVar:

ClinVar aggregate classification (germline): Uncertain significance (1 of 4 stars; one submission).

Conditions:
Melnick-Needles syndrome (MNS). Also called: MELNICK-NEEDLES OSTEODYSPLASTY; OSTEODYSPLASTY OF MELNICK AND NEEDLES; Melnick-Needles Syndrome (FLNA-MNS). Identifiers: Orphanet 2484, MedGen C0025237, MONDO:0010650, OMIM 309350.
Heterotopia, periventricular, X-linked dominant (PVNH1). Also called: PERIVENTRICULAR NODULAR HETEROTOPIA 1; X-linked periventricular heterotopia; PERIVENTRICULAR NODULAR HETEROTOPIA 4; HETEROTOPIA, PERIVENTRICULAR, 1. Identifiers: Orphanet 2149, Orphanet 82004, MedGen C1848213, MONDO:0010233, OMIM 300049.
Frontometaphyseal dysplasia (FMD1). Identifiers: Orphanet 1826, MedGen C0265293, MONDO:0015942.
Oto-palato-digital syndrome, type II (OPD2). Also called: FACIOPALATOOSSEOUS SYNDROME; OPD II SYNDROME; Otopalatodigital Syndrome Type 2 (FLNA-OPD2); Otopalatodigital Syndrome, Type II. Identifiers: Orphanet 669, Orphanet 90652, MedGen C1844696, MONDO:0010571, OMIM 304120.

Allele frequency attached by ClinVar (database versions not stated): gnomAD exomes below 0.00001.
gnomAD v4.1: 1 of 1,211,227 alleles (0.000083%); highest among the groups gnomAD compares: Non-Finnish European, 0.00011%; no homozygotes.

Submission:

Labcorp Genetics (formerly Invitae), Labcorp
Classification: Uncertain significance for Oto-palato-digital syndrome, type II; Heterotopia, periventricular, X-linked dominant; Frontometaphyseal dysplasia; Melnick-Needles syndrome. Last evaluated: 2022-02-25. Review status: criteria provided, single submitter. Criteria: Invitae Variant Classification Sherloc (09022015). Collection method: clinical testing. Allele origin: germline.
Comment: Advanced modeling of protein sequence and biophysical properties (such as structural, functional, and spatial information, amino acid conservation, physicochemical variation, residue mobility, and thermodynamic stability) performed at Invitae indicates that this missense variant is not expected to disrupt FLNA protein function. This sequence change replaces alanine, which is neutral and non-polar, with valine, which is neutral and non-polar, at codon 2264 of the FLNA protein (p.Ala2264Val). This variant is not present in population databases (gnomAD no frequency). This variant has not been reported in the literature in individuals affected with FLNA-related conditions. In summary, the available evidence is currently insufficient to determine the role of this variant in disease. Therefore, it has been classified as a Variant of Uncertain Significance.

NM_001110556.2(FLNA):c.6815C>T (p.Ala2272Val)

Gene: FLNA (filamin A; minus strand). Cytogenetic location: Xq28.
Variant type: single nucleotide variant.
Coding change: c.6815C>T on transcript NM_001110556.2 (MANE Select); coding-DNA position 6815, C replaced by T.
Protein change: p.Ala2272Val; replaces alanine 2272 with valine.
Molecular consequence: missense variant.
Genome position (GRCh38, 1-based): chrX:154,351,976, G>A on the plus strand (C>T on the coding strand, the complement: FLNA is on the minus strand). VCF-style: chrX-154351976-G-A. GRCh37 (hg19) VCF-style: chrX-153580344-G-A.
Other names: c.6791C>T, p.Ala2264Val (NM_001456.4); short protein forms A2264V, A2272V.
Identifiers: ClinVar variation 2103205 (VCV002103205.4), dbSNP rs2148103538, ClinGen allele CA415186630.